The following is an entry in ClinVar:

NM_000016.6(ACADM):c.739A>G (p.Thr247Ala)

Gene: ACADM (acyl-CoA dehydrogenase medium chain; plus strand). Cytogenetic location: 1p31.1.
Variant type: single nucleotide variant.
Coding change: c.739A>G on transcript NM_000016.6 (MANE Select); coding-DNA position 739, A replaced by G.
Protein change: p.Thr247Ala; replaces threonine 247 with alanine.
Molecular consequence: missense variant.
Genome position (GRCh38, 1-based): chr1:75,749,449, A>G. VCF-style: chr1-75749449-A-G. GRCh37 (hg19) VCF-style: chr1-76215134-A-G.
Other names: c.751A>G, p.Thr251Ala (NM_001127328.3); c.631A>G, p.Thr211Ala (NM_001286042.2); c.838A>G, p.Thr280Ala (NM_001286043.2); c.172A>G, p.Thr58Ala (NM_001286044.2); short protein forms T247A, T58A, T280A, T211A, T251A.
Identifiers: ClinVar variation 373420 (VCV000373420.1), dbSNP rs1057518408, ClinGen allele CA16042329.

ClinVar aggregate classification (germline): Likely pathogenic (1 of 4 stars; one submission).

Submission:

GeneDx
Classification: Likely pathogenic. Last evaluated: 2016-11-11. Review status: criteria provided, single submitter. Criteria: GeneDx Variant Classification (06012015). Collection method: clinical testing. Allele origin: germline. Affected: yes.
Comment: The T247A missense variant in the ACADM gene has not been published as a pathogenic variant, nor has it been reported as a benign variant to our knowledge. The T247A variant was not observed in approximately 6500 individuals of European and African American ancestry in the NHLBI Exome Sequencing Project, indicating it is not a common benign variant in these populations. The T247A variant is a non-conservative amino acid substitution, which is likely to impact secondary protein structure as these residues differ in polarity, charge, size and/or other properties. This substitution occurs at a position that is conserved across species. In silico analysis predicts this variant is probably damaging to the protein structure/function. Missense variants in nearby residues (C244R, S245L, R248G) have been reported in the Human Gene Mutation Database in association with medium chain acyl-CoA dehydrogenase (MCAD) deficiency (Stenson et al., 2014), supporting the functional importance of this region of the protein. Therefore, the T247A variant is likely pathogenic; however, the possibility that it is benign cannot be excluded.